The following is an entry in ClinVar:

ClinVar aggregate classification (germline): Uncertain significance (1 of 4 stars; one submission).

Submission:

Labcorp Genetics (formerly Invitae), Labcorp
Classification: Uncertain significance. Last evaluated: 2024-08-09. Review status: criteria provided, single submitter. Criteria: Invitae Variant Classification Sherloc (09022015). Collection method: clinical testing. Allele origin: germline.
Comment: This variant, c.2319_2327del, results in the deletion of 3 amino acid(s) of the SALL2 protein (p.Glu773_Glu775del), but otherwise preserves the integrity of the reading frame. This variant is present in population databases (rs774220046, gnomAD 0.2%), and has an allele count higher than expected for a pathogenic variant. This variant has not been reported in the literature in individuals affected with SALL2-related conditions. Experimental studies and prediction algorithms are not available or were not evaluated, and the functional significance of this variant is currently unknown. In summary, the available evidence is currently insufficient to determine the role of this variant in disease. Therefore, it has been classified as a Variant of Uncertain Significance.

NM_001364564.1(SALL2):c.2313_2321del (p.Glu771_Glu773del)

Gene: SALL2 (spalt like transcription factor 2; minus strand). Cytogenetic location: 14q11.2.
Variant type: Deletion.
Coding change: c.2313_2321del on transcript NM_001364564.1 (MANE Select); coding-DNA positions 2313 to 2321, 9 bases deleted (AGAGGAAGA; older notation c.2313_2321delAGAGGAAGA).
Protein change: p.Glu771_Glu773del.
Genome position (GRCh38, 1-based): chr14:21,523,401-21,523,409, TCTTCCTCT deleted on the plus strand (AGAGGAAGA on the coding strand, the reverse complement: SALL2 is on the minus strand); deleting any 9 consecutive bases within chr14:21,523,401-21,523,417 gives the same sequence; the c. name uses the placement nearest the transcript's 3' end. VCF-style (leftmost placement, unchanged base first): chr14-21523400-ATCTTCCTCT-A. GRCh37 (hg19) VCF-style: chr14-21991534-ATCTTCCTCT-A.
Other names: c.1914_1922del, p.Glu638_Glu640del (NM_001291446.2); c.1908_1916del, p.Glu636_Glu638del (NM_001291447.2); c.2319_2327del, p.Glu773_Glu775del (NM_005407.3).
Identifiers: ClinVar variation 3632659 (VCV003632659.2).